The following is an entry in ClinVar:

NM_002382.5(MAX):c.463C>G (p.Leu155Val)

Gene: MAX (MYC associated transcriptional regulator X; minus strand). Cytogenetic location: 14q23.3.
Variant type: single nucleotide variant.
Coding change: c.463C>G on transcript NM_002382.5 (MANE Select); coding-DNA position 463, C replaced by G.
Protein change: p.Leu155Val; replaces leucine 155 with valine.
Molecular consequence: missense variant. On other transcripts: 3 prime UTR variant (12), non-coding transcript variant (7), intron variant (2).
Genome position (GRCh38, 1-based): chr14:65,076,496, G>C on the plus strand (C>G on the coding strand, the complement: MAX is on the minus strand). VCF-style: chr14-65076496-G-C. GRCh37 (hg19) VCF-style: chr14-65543214-G-C.
Other names: c.274C>G, p.Leu92Val (NM_001320415.2, NM_001407105.1, NM_001407106.1 and 1 more transcripts); c.463C>G, p.Leu155Val (NM_001407094.1); c.436C>G, p.Leu146Val (NM_001407095.1, NM_145112.3); c.*236C>G (NM_001407096.1, NM_001407099.1, NM_001407102.1 and 2 more transcripts); c.*252C>G (NM_001407097.1, NM_001407100.1, NM_001407101.1 and 4 more transcripts); c.355C>G, p.Leu119Val (NM_001407098.1); c.262C>G, p.Leu88Val (NM_001407111.1, NM_001407112.1); c.144+17212C>G (NM_001271069.2); and 1 more; short protein forms L119V, L88V, L92V, L146V, L155V.
Identifiers: ClinVar variation 5023913 (VCV005023913.1).

ClinVar aggregate classification (germline): Uncertain significance (1 of 4 stars; one submission).

Conditions:
Hereditary cancer-predisposing syndrome. Also called: Neoplastic Syndromes, Hereditary; Tumor predisposition; Hereditary neoplastic syndrome; Hereditary Cancer Syndrome. Identifiers: Orphanet 140162, MedGen C0027672, MeSH D009386, MONDO:0015356.

gnomAD v4.1: 1 of 1,613,728 alleles (0.000062%); highest among the groups gnomAD compares: Non-Finnish European, 0.000085%; no homozygotes.

Submission:

Ambry Genetics
Classification: Uncertain significance for Hereditary cancer-predisposing syndrome. Last evaluated: 2026-07-06. Review status: criteria provided, single submitter. Criteria: Ambry Variant Classification Scheme 2023. Collection method: clinical testing. Allele origin: germline.
Comment: The p.L155V variant (also known as c.463C>G), located in coding exon 5 of the MAX gene, results from a C to G substitution at nucleotide position 463. The leucine at codon 155 is replaced by valine, an amino acid with highly similar properties. This amino acid position is conserved. In addition, the in silico prediction for this alteration is inconclusive. Based on the available evidence, the clinical significance of this variant remains unclear.